The following is an entry in ClinVar:

ClinVar aggregate classification (germline): Uncertain significance (1 of 4 stars; one submission).

Conditions:
Inborn genetic diseases. Identifiers: MedGen C0950123, MeSH D030342.

Submission:

Ambry Genetics
Classification: Uncertain significance for Inborn genetic diseases. Last evaluated: 2021-08-02. Review status: criteria provided, single submitter. Criteria: Ambry Variant Classification Scheme 2023. Collection method: clinical testing. Allele origin: germline.
Comment: The p.S314I variant (also known as c.941G>T), located in coding exon 8 of the LRRK2 gene, results from a G to T substitution at nucleotide position 941. The serine at codon 314 is replaced by isoleucine, an amino acid with dissimilar properties. This amino acid position is conserved. In addition, the in silico prediction for this alteration is inconclusive. Since supporting evidence is limited at this time, the clinical significance of this alteration remains unclear.

NM_198578.4(LRRK2):c.941G>T (p.Ser314Ile)

Gene: LRRK2 (leucine rich repeat kinase 2; plus strand). Cytogenetic location: 12q12.
Variant type: single nucleotide variant.
Coding change: c.941G>T on transcript NM_198578.4 (MANE Select); coding-DNA position 941, G replaced by T.
Protein change: p.Ser314Ile; replaces serine 314 with isoleucine.
Molecular consequence: missense variant.
Genome position (GRCh38, 1-based): chr12:40,249,928, G>T. VCF-style: chr12-40249928-G-T. GRCh37 (hg19) VCF-style: chr12-40643730-G-T.
Other names: short protein forms S314I.
Identifiers: ClinVar variation 1766901 (VCV001766901.2), dbSNP rs1942178791, ClinGen allele CA384407439.